The following is an entry in ClinVar:

NM_001126108.2(SLC12A3):c.391G>T (p.Glu131Ter)

Gene: SLC12A3 (solute carrier family 12 member 3; plus strand). Cytogenetic location: 16q13.
Variant type: single nucleotide variant.
Coding change: c.391G>T on transcript NM_001126108.2 (MANE Select); coding-DNA position 391, G replaced by T.
Protein change: p.Glu131Ter; replaces glutamic acid 131 with a stop codon.
Molecular consequence: nonsense.
Genome position (GRCh38, 1-based): chr16:56,867,178, G>T. VCF-style: chr16-56867178-G-T. GRCh37 (hg19) VCF-style: chr16-56901090-G-T.
Other names: c.391G>T, p.Glu131Ter (NM_000339.3); c.388G>T, p.Glu130Ter (NM_001126107.2, NM_001410896.1); short protein forms E130*, E131*.
Identifiers: ClinVar variation 4854078 (VCV004854078.1).

ClinVar aggregate classification (germline): Pathogenic (1 of 4 stars; one submission).

Conditions:
Familial hypokalemia-hypomagnesemia (GTLMNS). Also called: HYPOMAGNESEMIA-HYPOKALEMIA, PRIMARY RENOTUBULAR, WITH HYPOCALCIURIA; POTASSIUM AND MAGNESIUM DEPLETION; gitelman syndrome. Identifiers: Orphanet 358, MedGen C0268450, MONDO:0009904, OMIM 263800.

Submission:

3billion
Classification: Pathogenic for Familial hypokalemia-hypomagnesemia. Last evaluated: 2025-06-17. Review status: criteria provided, single submitter. Criteria: ACMG Guidelines, 2015. Collection method: clinical testing. Allele origin: germline. Affected: yes.
Comment: The variant is not observed in the gnomAD v4.1.0 dataset. Predicted Consequence/Location: Stop-gained (nonsense): predicted to result in a loss or disruption of normal protein function through nonsense-mediated decay (NMD) or protein truncation. Multiple pathogenic variants are reported downstream of the variant. Therefore, this variant is classified as Pathogenic according to the recommendation of ACMG/AMP guideline.